The following is an entry in ClinVar:

NM_153252.5(BRWD3):c.2722A>G (p.Lys908Glu)

Gene: BRWD3 (bromodomain and WD repeat domain containing 3; minus strand). Cytogenetic location: Xq21.1.
Variant type: single nucleotide variant.
Coding change: c.2722A>G on transcript NM_153252.5 (MANE Select); coding-DNA position 2722, A replaced by G.
Protein change: p.Lys908Glu; replaces lysine 908 with glutamic acid.
Molecular consequence: missense variant.
Genome position (GRCh38, 1-based): chrX:80,703,593, T>C on the plus strand (A>G on the coding strand, the complement: BRWD3 is on the minus strand). VCF-style: chrX-80703593-T-C. GRCh37 (hg19) VCF-style: chrX-79959092-T-C.
Other names: short protein forms K908E.
Identifiers: ClinVar variation 2431656 (VCV002431656.1), dbSNP rs1431663937, ClinGen allele CA413626014.

ClinVar aggregate classification (germline): Uncertain significance (1 of 4 stars; one submission).

Conditions:
Intellectual developmental disorder, X-linked 93. Also called: Intellectual disability, X-linked 93; MENTAL RETARDATION, X-LINKED, WITH MACROCEPHALY. Identifiers: MedGen C1970841, MONDO:0010393, OMIM 300659.

Allele frequency attached by ClinVar (database versions not stated): gnomAD exomes below 0.00001; TOPMed 0.00001.
gnomAD v4.1: 1 of 1,171,437 alleles (0.000085%); highest among the groups gnomAD compares: African/African-American, 0.0018%; no homozygotes.

Submission:

Laboratorio de Genetica e Diagnostico Molecular, Hospital Israelita Albert Einstein
Classification: Uncertain significance for Intellectual developmental disorder, X-linked 93. Last evaluated: 2022-11-24. Review status: criteria provided, single submitter. Criteria: ACMG Guidelines, 2015. Collection method: clinical testing. Allele origin: germline. Affected: yes. Observed: 1 variant allele.
Comment: ACMG classification criteria: PM2 moderated, PP2 supporting, BP4 supporting